The following is an entry in ClinVar:

ClinVar aggregate classification (germline): Benign. Review status: criteria provided, single submitter (1 of 4 stars). 2 submissions from 2 submitters: Benign (1). 1 of the submissions does not count toward it. Last evaluated 2024-07-31.

Conditions:
Gaucher disease. Also called: Acute cerebral Gaucher disease; Cerebroside lipidosis syndrome; Gaucher splenomegaly; Sphingolipidosis 1; Glucocerebrosidosis; Glucosylceramidase deficiency. Identifiers: Orphanet 355, MedGen C0017205, MONDO:0018150.

Allele frequency attached by ClinVar (database versions not stated): gnomAD 0.38778 and 0.38980; TOPMed 0.40093; 1000 Genomes Project 30x 0.46424; 1000 Genomes Project 0.46705.
gnomAD v4.1: 378,390 of 1,142,664 alleles (33%); highest among the groups gnomAD compares: East Asian, 73%; 69,618 homozygotes.

Submissions (2):

Unidad de Genómica Garrahan, Hospital de Pediatría Garrahan
Classification: Benign. Last evaluated: 2024-07-31. Review status: criteria provided, single submitter. Criteria: ACMG Guidelines, 2015. Collection method: clinical testing. Allele origin: germline. Affected: no. Observed: 34 variant alleles.
Comment: This variant is classified as Benign based on local population frequency. This variant was detected in 37% of patients studied in a panel designed for Epileptic and Developmental Encephalopathy, Progressive Myoclonus Epilepsy and Abnormal Movements and Neurodegeneration with brain iron accumulation. Number of patients: 34. Only high quality variants are reported.

Natera, Inc.
Classification: Benign for Gaucher disease. Last evaluated: 2019-05-20. Review status: no assertion criteria provided. Collection method: clinical testing. Allele origin: germline. Not counted in ClinVar's aggregate classification.

NM_000157.4(GBA1):c.1000-81A>C

Genes: GBA1 (glucosylceramidase beta 1; minus strand), LOC106627981 (GBA recombination region; plus strand). Cytogenetic location: 1q22.
Variant type: single nucleotide variant.
Coding change: c.1000-81A>C on transcript NM_000157.4 (MANE Select); 81 bases into the intron before coding-DNA position 1000, A replaced by C.
Molecular consequence: intron variant.
Genome position (GRCh38, 1-based): chr1:155,236,550, T>G on the plus strand (A>C on the coding strand, the complement: GBA1 is on the minus strand). VCF-style: chr1-155236550-T-G. GRCh37 (hg19) VCF-style: chr1-155206341-T-G.
Other names: c.739-81A>C (NM_001171811.2); c.1000-81A>C (NM_001005742.3, NM_001005741.3); c.853-81A>C (NM_001171812.2).
Identifiers: ClinVar variation 828082 (VCV000828082.4), dbSNP rs9628662, ClinGen allele CA10885161.